The following is an entry in ClinVar:

NM_007259.5(VPS45):c.160C>T (p.Arg54Cys)

Gene: VPS45 (vacuolar protein sorting 45 homolog; plus strand). Cytogenetic location: 1q21.2.
Variant type: single nucleotide variant.
Coding change: c.160C>T on transcript NM_007259.5 (MANE Select); coding-DNA position 160, C replaced by T.
Protein change: p.Arg54Cys; replaces arginine 54 with cysteine.
Molecular consequence: missense variant. On other transcripts: non-coding transcript variant (1).
Genome position (GRCh38, 1-based): chr1:150,068,696, C>T. VCF-style: chr1-150068696-C-T. GRCh37 (hg19) VCF-style: chr1-150040753-C-T.
Other names: c.160C>T (NM_007259.3); c.52C>T, p.Arg18Cys (NM_001279353.2, NM_001279354.2); short protein forms R18C, R54C.
Identifiers: ClinVar variation 1937334 (VCV001937334.3), dbSNP rs1343272129, ClinGen allele CA342258674.

ClinVar aggregate classification (germline): Uncertain significance. Review status: criteria provided, multiple submitters, no conflicts (2 of 4 stars). 2 submissions from 2 submitters: Uncertain significance (2). Last evaluated 2025-08-02.

Conditions:
Inborn genetic diseases. Identifiers: MedGen C0950123, MeSH D030342.
Congenital neutropenia-myelofibrosis-nephromegaly syndrome. Also called: Severe congenital neutropenia 5, autosomal recessive. Identifiers: Orphanet 369852, MedGen C3809031, MONDO:0014118, OMIM 615285.

Allele frequency attached by ClinVar (database versions not stated): gnomAD exomes below 0.00001; TOPMed below 0.00001; gnomAD 0.00001.
gnomAD v4.1: 2 of 1,613,118 alleles (0.00012%); highest among the groups gnomAD compares: Non-Finnish European, 0.00017%; no homozygotes.

Submissions (2):

Ambry Genetics
Classification: Uncertain significance for Inborn genetic diseases. Last evaluated: 2025-08-02. Review status: criteria provided, single submitter. Criteria: Ambry Variant Classification Scheme 2023. Collection method: clinical testing. Allele origin: germline.

Labcorp Genetics (formerly Invitae), Labcorp
Classification: Uncertain significance for Congenital neutropenia-myelofibrosis-nephromegaly syndrome. Last evaluated: 2022-05-12. Review status: criteria provided, single submitter. Criteria: Invitae Variant Classification Sherloc (09022015). Collection method: clinical testing. Allele origin: germline.
Comment: This sequence change replaces arginine, which is basic and polar, with cysteine, which is neutral and slightly polar, at codon 54 of the VPS45 protein (p.Arg54Cys). This variant is not present in population databases (gnomAD no frequency). This variant has not been reported in the literature in individuals affected with VPS45-related conditions. Algorithms developed to predict the effect of missense changes on protein structure and function (SIFT, PolyPhen-2, Align-GVGD) all suggest that this variant is likely to be disruptive. In summary, the available evidence is currently insufficient to determine the role of this variant in disease. Therefore, it has been classified as a Variant of Uncertain Significance.